The following is an entry in ClinVar:

NM_002017.5(FLI1):c.532G>T (p.Ala178Ser)

Gene: FLI1 (Fli-1 proto-oncogene, ETS transcription factor; plus strand). Cytogenetic location: 11q24.3.
Variant type: single nucleotide variant.
Coding change: c.532G>T on transcript NM_002017.5 (MANE Select); coding-DNA position 532, G replaced by T.
Protein change: p.Ala178Ser; replaces alanine 178 with serine.
Molecular consequence: missense variant. On other transcripts: intron variant (1).
Genome position (GRCh38, 1-based): chr11:128,772,928, G>T. VCF-style: chr11-128772928-G-T. GRCh37 (hg19) VCF-style: chr11-128642823-G-T.
Other names: c.433G>T, p.Ala145Ser (NM_001167681.3, NM_001440369.1, NM_001440370.1 and 1 more transcripts); c.334G>T, p.Ala112Ser (NM_001271010.2); c.532G>T, p.Ala178Ser (NM_001440372.1); c.11-9030G>T (NM_001271012.2); short protein forms A112S, A145S, A178S.
Identifiers: ClinVar variation 4772341 (VCV004772341.1).

ClinVar aggregate classification (germline): Uncertain significance (1 of 4 stars; one submission).

gnomAD v4.1: 5 of 1,613,868 alleles (0.00031%); highest among the groups gnomAD compares: Non-Finnish European, 0.00034%; no homozygotes.

Submission:

Labcorp Genetics (formerly Invitae), Labcorp
Classification: Uncertain significance. Last evaluated: 2026-01-11. Review status: criteria provided, single submitter. Criteria: Invitae Variant Classification Sherloc (09022015). Collection method: clinical testing. Allele origin: germline.
Comment: This sequence change replaces alanine, which is neutral and non-polar, with serine, which is neutral and polar, at codon 178 of the FLI1 protein (p.Ala178Ser). This variant is present in population databases (rs372454174, gnomAD 0.002%). This variant has not been reported in the literature in individuals affected with FLI1-related conditions. Invitae Evidence Modeling of protein sequence and biophysical properties (such as structural, functional, and spatial information, amino acid conservation, physicochemical variation, residue mobility, and thermodynamic stability) indicates that this missense variant is not expected to disrupt FLI1 protein function with a negative predictive value of 80%. In summary, the available evidence is currently insufficient to determine the role of this variant in disease. Therefore, it has been classified as a Variant of Uncertain Significance.